The following is an entry in ClinVar:

ClinVar aggregate classification (germline): Benign (1 of 4 stars; one submission).

Allele frequency attached by ClinVar (database versions not stated): 1000 Genomes Project 0.45707; 1000 Genomes Project 30x 0.46393; ExAC 0.47163; TOPMed 0.50647; ESP Exome Variant Server 0.52723.
gnomAD v4.1: 805,516 of 1,607,904 alleles (50%); highest among the groups gnomAD compares: African/African-American, 61%; 205,004 homozygotes.

Submission:

Unidad de Genómica Garrahan, Hospital de Pediatría Garrahan
Classification: Benign. Last evaluated: 2024-01-24. Review status: criteria provided, single submitter. Criteria: ACMG Guidelines, 2015. Collection method: clinical testing. Allele origin: germline. Affected: no. Observed: 66 variant alleles.
Comment: This variant is classified as Benign based on local population frequency. This variant was detected in 69% of patients studied by a panel of primary immunodeficiencies. Number of patients: 66. Only high quality variants are reported.

NM_012481.5(IKZF3):c.-40A>G

Gene: IKZF3 (IKAROS family zinc finger 3; minus strand). Cytogenetic location: 17q21.1.
Variant type: single nucleotide variant.
Coding change: c.-40A>G on transcript NM_012481.5 (MANE Select); 40 bases upstream of the start codon, A replaced by G.
Molecular consequence: 5 prime UTR variant.
Genome position (GRCh38, 1-based): chr17:39,864,166, T>C on the plus strand (A>G on the coding strand, the complement: IKZF3 is on the minus strand). VCF-style: chr17-39864166-T-C. GRCh37 (hg19) VCF-style: chr17-38020419-T-C.
Other names: c.-40A>G (NM_001257408.2, NM_001257409.2, NM_001257410.2 and 9 more transcripts); c.-907A>G (NM_001284514.2); c.-739A>G (NM_001284515.2).
Identifiers: ClinVar variation 2688021 (VCV002688021.2), dbSNP rs1453559, ClinGen allele CA8535774.